The following is an entry in ClinVar:

NM_000384.3(APOB):c.11197C>G (p.Pro3733Ala)

Gene: APOB (apolipoprotein B; minus strand). Cytogenetic location: 2p24.1.
Variant type: single nucleotide variant.
Coding change: c.11197C>G on transcript NM_000384.3 (MANE Select); coding-DNA position 11197, C replaced by G.
Protein change: p.Pro3733Ala; replaces proline 3733 with alanine.
Molecular consequence: missense variant.
Genome position (GRCh38, 1-based): chr2:21,005,671, G>C on the plus strand (C>G on the coding strand, the complement: APOB is on the minus strand). VCF-style: chr2-21005671-G-C. GRCh37 (hg19) VCF-style: chr2-21228543-G-C.
Other names: short protein forms P3733A.
Identifiers: ClinVar variation 1463658 (VCV001463658.6), dbSNP rs1469958888, ClinGen allele CA345980673.

ClinVar aggregate classification (germline): Uncertain significance (1 of 4 stars; one submission).

Conditions:
Familial hypobetalipoproteinemia 1. Also called: APOB-Related Familial Hypobetalipoproteinemia; Hypobetalipoproteinemia, normotriglyceridemic; Acanthocytosis with hypobetalipoproteinemia. Identifiers: MedGen C4551990, MONDO:0014252, OMIM 615558.
Hypercholesterolemia, autosomal dominant, type B (FHCL2). Also called: Familial Hypercholesterolemia Type B; APOLIPOPROTEIN B-100, FAMILIAL DEFECTIVE; APOLIPOPROTEIN B-100, FAMILIAL LIGAND-DEFECTIVE; HYPERCHOLESTEROLEMIA, FAMILIAL, DUE TO LIGAND-DEFECTIVE APOLIPOPROTEIN B; Familial hypercholesterolemia 2; Hyperlipoproteinemia Type IIb. Identifiers: MedGen C1704417, MONDO:0007751, OMIM 144010.

Allele frequency attached by ClinVar (database versions not stated): gnomAD exomes below 0.00001.
gnomAD v4.1: 1 of 1,613,944 alleles (0.000062%); highest among the groups gnomAD compares: Admixed American, 0.0017%; no homozygotes.

Submission:

Labcorp Genetics (formerly Invitae), Labcorp
Classification: Uncertain significance for Familial hypobetalipoproteinemia 1; Hypercholesterolemia, autosomal dominant, type B. Last evaluated: 2021-11-16. Review status: criteria provided, single submitter. Criteria: Invitae Variant Classification Sherloc (09022015). Collection method: clinical testing. Allele origin: germline.
Comment: In summary, the available evidence is currently insufficient to determine the role of this variant in disease. Therefore, it has been classified as a Variant of Uncertain Significance. Algorithms developed to predict the effect of missense changes on protein structure and function are either unavailable or do not agree on the potential impact of this missense change (SIFT: "Deleterious"; PolyPhen-2: "Possibly Damaging"; Align-GVGD: "Class C0"). This variant has not been reported in the literature in individuals affected with APOB-related conditions. This variant is present in population databases (no rsID available, gnomAD 0.003%). This sequence change replaces proline, which is neutral and non-polar, with alanine, which is neutral and non-polar, at codon 3733 of the APOB protein (p.Pro3733Ala).